The following is an entry in ClinVar:

ClinVar aggregate classification (germline): Uncertain significance (1 of 4 stars; one submission).

Conditions:
Nephrotic syndrome, IIa 26. Also called: Nephrotic syndrome, type 26. Identifiers: MedGen C5774221, MONDO:0031061, OMIM 620049.

gnomAD v4.1: 1 of 1,605,482 alleles (0.000062%); highest among the groups gnomAD compares: Non-Finnish European, 0.000085%; no homozygotes.

Submission:

MVZ Medizinische Genetik Mainz
Classification: Uncertain significance for Nephrotic syndrome, IIa 26. Last evaluated: 2024-05-08. Review status: criteria provided, single submitter. Criteria: UK Practice Guidelines For Variant Classification V4 01 2020. Collection method: clinical testing. Allele origin: germline. Inheritance: Autosomal recessive inheritance. Affected: yes. Observed: 1 variant allele.
Comment: ACMG Criteria: PM2_SUP,PP3

NM_005560.6(LAMA5):c.364G>A (p.Asp122Asn)

Gene: LAMA5 (laminin subunit alpha 5; minus strand). Cytogenetic location: 20q13.33.
Variant type: single nucleotide variant.
Coding change: c.364G>A on transcript NM_005560.6 (MANE Select); coding-DNA position 364, G replaced by A.
Protein change: p.Asp122Asn; replaces aspartic acid 122 with asparagine.
Molecular consequence: missense variant.
Genome position (GRCh38, 1-based): chr20:62,362,486, C>T on the plus strand (G>A on the coding strand, the complement: LAMA5 is on the minus strand). VCF-style: chr20-62362486-C-T. GRCh37 (hg19) VCF-style: chr20-60937542-C-T.
Other names: short protein forms D122N.
Identifiers: ClinVar variation 3256893 (VCV003256893.1).